The following is an entry in ClinVar:

ClinVar aggregate classification (germline): Pathogenic (1 of 4 stars; one submission).

Conditions:
Myopathy, proximal, and ophthalmoplegia (CMYO6). Also called: MYOPATHY WITH CONGENITAL JOINT CONTRACTURES, OPHTHALMOPLEGIA, AND RIMMED VACUOLES; INCLUSION BODY MYOPATHY 3, AUTOSOMAL DOMINANT; CONGENITAL MYOPATHY 6 WITH OPHTHALMOPLEGIA. Identifiers: Orphanet 363677, Orphanet 79091, MedGen C1854106, MONDO:0011577, OMIM 605637.

Submission:

Labcorp Genetics (formerly Invitae), Labcorp
Classification: Pathogenic for Myopathy, proximal, and ophthalmoplegia. Last evaluated: 2025-05-15. Review status: criteria provided, single submitter. Criteria: Invitae Variant Classification Sherloc (09022015). Collection method: clinical testing. Allele origin: germline.
Comment: This sequence change creates a premature translational stop signal (p.Lys859Argfs*26) in the MYH2 gene. It is expected to result in an absent or disrupted protein product. Loss-of-function variants in MYH2 are known to be pathogenic (PMID: 20418530, 23388406, 24193343). This variant is not present in population databases (gnomAD no frequency). This variant has not been reported in the literature in individuals affected with MYH2-related conditions. For these reasons, this variant has been classified as Pathogenic.

Literature cited by the submitters: PubMed 20418530; PubMed 23388406; PubMed 24193343.

NM_017534.6(MYH2):c.2576del (p.Lys859fs)

Genes: MYHAS (myosin heavy chain gene cluster antisense RNA; plus strand), MYH2 (myosin heavy chain 2; minus strand). Cytogenetic location: 17p13.1.
Variant type: Deletion.
Coding change: c.2576del on transcript NM_017534.6 (MANE Select); coding-DNA position 2576, one base deleted (A; older notation c.2576delA).
Protein change: p.Lys859fs; shifts the reading frame from lysine 859.
Molecular consequence: frameshift variant.
Genome position (GRCh38, 1-based): chr17:10,531,754, T deleted on the plus strand (A on the coding strand, the reverse complement: MYH2 is on the minus strand); the first of 2 consecutive T bases (chr17:10,531,754-10,531,755); deleting either gives the same sequence. VCF-style (leftmost placement, unchanged base first): chr17-10531753-CT-C. GRCh37 (hg19) VCF-style: chr17-10435070-CT-C.
Other names: c.2576del, p.Lys859fs (NM_001100112.2); short protein forms K859fs.
Identifiers: ClinVar variation 4719667 (VCV004719667.1).
Genomic context (GRCh38, chr17:10,531,753, plus strand): 5'-CAGTTCCTTCCTTTTTGCCTCTGACTTGGCAAGTTCGTCTTTAATTTTCTGAAATTCTTC[CT>C]TCATGGTGGCCATCTCCTTCTCAGTTTCTGCACTCTTCAACAGAGGCTTGATCTTGAAGA-3'